The following is an entry in ClinVar:

NM_144686.4(TMC4):c.498T>C (p.Leu166=)

Gene: TMC4 (transmembrane channel like 4; minus strand). Cytogenetic location: 19q13.42.
Variant type: single nucleotide variant.
Coding change: c.498T>C on transcript NM_144686.4 (MANE Select); coding-DNA position 498, T replaced by C.
Protein change: p.Leu166=; no amino-acid change (leucine 166 retained).
Molecular consequence: synonymous variant.
Genome position (GRCh38, 1-based): chr19:54,168,625, A>G on the plus strand (T>C on the coding strand, the complement: TMC4 is on the minus strand). VCF-style: chr19-54168625-A-G. GRCh37 (hg19) VCF-style: chr19-54672351-A-G.
Other names: c.516T>C, p.Leu172= (NM_001145303.3).
Identifiers: ClinVar variation 2650421 (VCV002650421.24), dbSNP rs200544750, ClinGen allele CA309344216.

ClinVar aggregate classification (germline): Likely benign (1 of 4 stars; one submission).

Allele frequency attached by ClinVar (database versions not stated): ESP Exome Variant Server 0.00015; TOPMed 0.00018; gnomAD 0.00021; gnomAD exomes 0.00038; ExAC 0.00056.
gnomAD v4.1: 558 of 1,593,198 alleles (0.035%); highest among the groups gnomAD compares: Non-Finnish European, 0.045%; no homozygotes.

Submission:

CeGaT Center for Human Genetics Tuebingen
Classification: Likely benign. Last evaluated: 2022-06-01. Review status: criteria provided, single submitter. Criteria: CeGaT Center For Human Genetics Tuebingen Variant Classification Criteria Version 2. Collection method: clinical testing. Allele origin: germline. Affected: yes. Observed: 1 variant allele.
Comment: TMC4: BP4, BP7